The following is an entry in ClinVar:

NM_001363059.2(MTUS1):c.2288-111_2449+391del

Gene: MTUS1 (microtubule associated scaffold protein 1; minus strand). Cytogenetic location: 8p22.
Variant type: Deletion.
Coding change: c.2288-111_2449+391del on transcript NM_001363059.2 (MANE Select); 111 bases into the intron before coding-DNA position 2288 through 391 bases into the intron after coding-DNA position 2449, 664 bases deleted.
Molecular consequence: splice acceptor variant, splice donor variant. On other transcripts: intron variant (3).
Genome position (GRCh38, 1-based): chr8:17,723,281-17,723,944, 664 bases deleted. GRCh37 (hg19): chr8:17,580,792-17,581,455.
Other names: c.2288-111_2449+391del (NM_001363061.2, NM_001363057.2, NM_001363058.2 and 1 more transcripts); c.2288-8043_2288-7380del (NM_001363060.2, NM_001363062.2, NM_001001925.3).
Identifiers: ClinVar variation 157105 (VCV000157105.2), dbSNP rs1554507014, ClinGen allele CA212221.

ClinVar aggregate classification (germline): not provided. Review status: no classification provided (0 of 4 stars). 2 submissions from 1 submitter: not provided (2).

Conditions:
Normal pregnancy. Identifiers: MedGen C0232989.
Large for gestational age. Identifiers: MedGen C1848395, HP:0001520.

Submissions (2):

Institute of Molecular and Cell Biology, University of Tartu
No classification provided. Condition: Normal pregnancy. Review status: no classification provided. Collection method: case-control. Allele origin: unknown. Affected: yes. Study: Kasak2014.
Comment: The study aimed to determine the contribution of copy number variants in the genetic etiology of normal and complicated pregnancies. The samples represented (i) maternal blood DNA drawn from healthy pregnant women during 1st or 2nd trimester and (ii) maternal and paternal blood DNA drawn at term pregnancy cases representing normal and complicated gestations (severe preeclampsia, PE; gestational diabetes, GD; small-for-gestational age newborn, SGA; large-for-gestational age newborn, LGA). We performed CNV calling based on genome-wide genotyping dataset (Illumina HumanOmniExpress-24-v1 BeadChip) by applying three algorithms, QuantiSNP, GADA (Genome Alteration Detection Algorithm) and CNstream in parallel. The acquired CNV calls were merged with HD-CNV (Hotspot Detector for Copy Number Variants) program and only the CNVs predicted by at least two programs, were considered in subsequent analysis.

Institute of Molecular and Cell Biology, University of Tartu
No classification provided. Condition: Large for gestational age. Review status: no classification provided. Collection method: case-control. Allele origin: unknown. Affected: yes. Study: Kasak2014.
Comment: the same text as in the submission from Institute of Molecular and Cell Biology, University of Tartu above.

Literature cited by the submitters: PubMed 25666259.